The following is an entry in ClinVar:

ClinVar aggregate classification (germline): Likely benign (1 of 4 stars; one submission).

Allele frequency attached by ClinVar (database versions not stated): ESP Exome Variant Server 0.00415; gnomAD exomes 0.00024; ExAC 0.00102; gnomAD 0.00279; TOPMed 0.00301; 1000 Genomes Project 30x 0.00375; 1000 Genomes Project 0.00379.
gnomAD v4.1: 804 of 1,612,054 alleles (0.05%); highest among the groups gnomAD compares: African/African-American, 0.91%; 5 homozygotes.

Submission:

CeGaT Center for Human Genetics Tuebingen
Classification: Likely benign. Last evaluated: 2023-02-01. Review status: criteria provided, single submitter. Criteria: CeGaT Center For Human Genetics Tuebingen Variant Classification Criteria Version 2. Collection method: clinical testing. Allele origin: germline. Affected: yes. Observed: 1 variant allele.
Comment: CKAP5: BP4, BP7, BS2

NM_001008938.4(CKAP5):c.5155C>T (p.Leu1719=)

Gene: CKAP5 (cytoskeleton associated protein 5; minus strand). Cytogenetic location: 11p11.2.
Variant type: single nucleotide variant.
Coding change: c.5155C>T on transcript NM_001008938.4 (MANE Select); coding-DNA position 5155, C replaced by T.
Protein change: p.Leu1719=; no amino-acid change (leucine 1719 retained).
Molecular consequence: synonymous variant.
Genome position (GRCh38, 1-based): chr11:46,751,513, G>A on the plus strand (C>T on the coding strand, the complement: CKAP5 is on the minus strand). VCF-style: chr11-46751513-G-A. GRCh37 (hg19) VCF-style: chr11-46773063-G-A.
Other names: c.4975C>T, p.Leu1659= (NM_014756.4).
Identifiers: ClinVar variation 2641752 (VCV002641752.24), dbSNP rs112274106, ClinGen allele CA5967641.